The following is an entry in ClinVar:

ClinVar aggregate classification (germline): Likely pathogenic (1 of 4 stars; one submission).

Conditions:
Developmental delay, impaired speech, and behavioral abnormalities. Identifiers: MedGen C5561957, MONDO:0859178, OMIM 619475.

Submission:

Women's Health and Genetics/Laboratory Corporation of America, LabCorp
Classification: Likely pathogenic for Developmental delay, impaired speech, and behavioral abnormalities. Last evaluated: 2025-11-06. Review status: criteria provided, single submitter. Criteria: LabCorp Variant Classification Summary - May 2015. Collection method: clinical testing. Allele origin: germline.
Comment: Variant summary: SPTBN1 c.2012C>A (p.Thr671Asn) results in a non-conservative amino acid change in the encoded protein sequence. Algorithms developed to predict the effect of missense changes on protein structure and function are either unavailable or do not agree on the potential impact of this missense change. The variant was absent in 249778 control chromosomes. The available data on variant occurrences in the general population are insufficient to allow any conclusion about variant significance. To our knowledge, no experimental evidence demonstrating an impact on protein function has been reported. No submitters have cited clinical-significance assessments for this variant to ClinVar. Based on the evidence outlined above, the variant was classified as likely pathogenic.

NM_003128.3(SPTBN1):c.2012C>A (p.Thr671Asn)

Gene: SPTBN1 (spectrin beta, non-erythrocytic 1; plus strand). Cytogenetic location: 2p16.2.
Variant type: single nucleotide variant.
Coding change: c.2012C>A on transcript NM_003128.3 (MANE Select); coding-DNA position 2012, C replaced by A.
Protein change: p.Thr671Asn; replaces threonine 671 with asparagine.
Molecular consequence: missense variant.
Genome position (GRCh38, 1-based): chr2:54,629,146, C>A. VCF-style: chr2-54629146-C-A. GRCh37 (hg19) VCF-style: chr2-54856283-C-A.
Other names: c.1973C>A, p.Thr658Asn (NM_178313.3); short protein forms T658N, T671N.
Identifiers: ClinVar variation 4537010 (VCV004537010.1).